The following is an entry in ClinVar:

ClinVar aggregate classification (germline): Uncertain significance (1 of 4 stars; one submission).

Conditions:
Familial hemophagocytic lymphohistiocytosis 2 (FHL2). Also called: PRF1-Related Familial Hemophagocytic Lymphohistiocytosis (PRF1-fHLH). Identifiers: Orphanet 540, MedGen C1863727, MONDO:0011337, OMIM 603553.

Submission:

Myriad Genetics, Inc.
Classification: Uncertain significance for Familial hemophagocytic lymphohistiocytosis 2. Last evaluated: 2025-12-09. Review status: criteria provided, single submitter. Criteria: Myriad Autosomal Dominant, Autosomal Recessive and X-Linked Classification Criteria (2023). Collection method: clinical testing. Allele origin: unknown.
Comment: NM_001083116.1(PRF1):c.1562A>G(Y521C) is a missense variant classified as a variant of uncertain significance in the context of familial hemophagocytic lymphohistiocytosis, PRF1-related. Y521C has been observed in a case with relevant disease (PMID: 24051121). Relevant functional assessments of this variant are not available in the literature. Y521C has not been observed in referenced population frequency databases. In summary, there is insufficient evidence to classify NM_001083116.1(PRF1):c.1562A>G(Y521C) as pathogenic or benign. Please note: this variant was assessed in the context of healthy population screening.

Literature cited by the submitters: PubMed 24051121.

NM_001083116.3(PRF1):c.1562A>G (p.Tyr521Cys)

Gene: PRF1 (perforin 1; minus strand). Cytogenetic location: 10q22.1.
Variant type: single nucleotide variant.
Coding change: c.1562A>G on transcript NM_001083116.3 (MANE Select); coding-DNA position 1562, A replaced by G.
Protein change: p.Tyr521Cys; replaces tyrosine 521 with cysteine.
Molecular consequence: missense variant.
Genome position (GRCh38, 1-based): chr10:70,598,159, T>C on the plus strand (A>G on the coding strand, the complement: PRF1 is on the minus strand). VCF-style: chr10-70598159-T-C. GRCh37 (hg19) VCF-style: chr10-72357915-T-C.
Other names: c.1562A>G, p.Tyr521Cys (NM_005041.6); short protein forms Y521C.
Identifiers: ClinVar variation 5004171 (VCV005004171.1).